The following is an entry in ClinVar:

ClinVar aggregate classification (germline): Pathogenic (1 of 4 stars; one submission).

Conditions:
Hereditary hemochromatosis (HFE). Identifiers: MedGen C0392514, MONDO:0006507. Disease mechanism: loss of function.

Submission:

Labcorp Genetics (formerly Invitae), Labcorp
Classification: Pathogenic for Hereditary hemochromatosis. Last evaluated: 2022-03-26. Review status: criteria provided, single submitter. Criteria: Invitae Variant Classification Sherloc (09022015). Collection method: clinical testing. Allele origin: germline.
Comment: This sequence change creates a premature translational stop signal (p.Tyr331Thrfs*38) in the TFR2 gene. It is expected to result in an absent or disrupted protein product. Loss-of-function variants in TFR2 are known to be pathogenic (PMID: 23600741, 26029709). This variant is not present in population databases (gnomAD no frequency). This variant has not been reported in the literature in individuals affected with TFR2-related conditions. For these reasons, this variant has been classified as Pathogenic.

Literature cited by the submitters: PubMed 23600741; PubMed 26029709.

NM_003227.4(TFR2):c.990del (p.Tyr331fs)

Gene: TFR2 (transferrin receptor 2; minus strand). Cytogenetic location: 7q22.1.
Variant type: Deletion.
Coding change: c.990del on transcript NM_003227.4 (MANE Select); coding-DNA position 990, one base deleted (C; older notation c.990delC).
Protein change: p.Tyr331fs; shifts the reading frame from tyrosine 331.
Molecular consequence: frameshift variant.
Genome position (GRCh38, 1-based): chr7:100,631,922, G deleted on the plus strand (C on the coding strand, the reverse complement: TFR2 is on the minus strand); the first of 4 consecutive G bases (chr7:100,631,922-100,631,925); deleting any one gives the same sequence. VCF-style (leftmost placement, unchanged base first): chr7-100631921-AG-A. GRCh37 (hg19) VCF-style: chr7-100229544-AG-A.
Other names: c.477del, p.Tyr160fs (NM_001206855.3); short protein forms Y160fs, Y331fs.
Identifiers: ClinVar variation 2117477 (VCV002117477.4), dbSNP rs1414730937, ClinGen allele CA830505152.
Genomic context (GRCh38, chr7:100,631,921, plus strand): 5'-GGCCTGATGATGCAACTGGAGGGAACTGGGTTTGATTGAAGGAAGGGAAGCCAGGTGTGT[AG>A]GGGTCTCCAGTTCCCAGGTGCACCTGCAGGGAAAGGGGTGCCCACGCAAAGCTGCGAGCT-3'